The following is an entry in ClinVar:

ClinVar aggregate classification (germline): Conflicting classifications of pathogenicity. Review status: criteria provided, conflicting classifications (1 of 4 stars). 4 submissions from 4 submitters: Uncertain significance (1); Likely benign (3). Last evaluated 2026-04-25.

Conditions:
Inborn genetic diseases. Identifiers: MedGen C0950123, MeSH D030342.
TTLL5-related disorder. Also called: TTLL5-related condition.

Allele frequency attached by ClinVar (database versions not stated): gnomAD 0.00004 and 0.00007; gnomAD exomes 0.00005 and 0.00027; TOPMed 0.00015; ExAC 0.00022; 1000 Genomes Project 30x 0.00078; 1000 Genomes Project 0.00100.
gnomAD v4.1: 74 of 1,614,170 alleles (0.0046%); highest among the groups gnomAD compares: East Asian, 0.16%; no homozygotes.

Submissions (4):

PreventionGenetics, part of Exact Sciences
Classification: Likely benign for TTLL5-related condition. Last evaluated: 2026-04-25. Review status: criteria provided, single submitter. Criteria: ACMG Guidelines, 2015. Collection method: clinical testing. Allele origin: germline.
Comment: This variant is classified as likely benign based on ACMG/AMP sequence variant interpretation guidelines (Richards et al. 2015 PMID: 25741868, with internal and published modifications).

Labcorp Genetics (formerly Invitae), Labcorp
Classification: Likely benign. Last evaluated: 2025-12-15. Review status: criteria provided, single submitter. Criteria: Invitae Variant Classification Sherloc (09022015). Collection method: clinical testing. Allele origin: germline.

Blueprint Genetics
Classification: Likely benign. Last evaluated: 2024-05-17. Review status: criteria provided, single submitter. Criteria: ACMG Guidelines, 2015. Collection method: clinical testing. Allele origin: germline.

Ambry Genetics
Classification: Uncertain significance for Inborn genetic diseases. Last evaluated: 2024-01-02. Review status: criteria provided, single submitter. Criteria: Ambry Variant Classification Scheme 2023. Collection method: clinical testing. Allele origin: germline.

NM_015072.5(TTLL5):c.1269C>A (p.Phe423Leu)

Gene: TTLL5 (tubulin tyrosine ligase like 5; plus strand). Cytogenetic location: 14q24.3.
Variant type: single nucleotide variant.
Coding change: c.1269C>A on transcript NM_015072.5 (MANE Select); coding-DNA position 1269, C replaced by A.
Protein change: p.Phe423Leu; replaces phenylalanine 423 with leucine.
Molecular consequence: missense variant.
Genome position (GRCh38, 1-based): chr14:75,735,277, C>A. VCF-style: chr14-75735277-C-A. GRCh37 (hg19) VCF-style: chr14-76201620-C-A.
Other names: c.1269C>A (NM_015072.4); short protein forms F423L.
Identifiers: ClinVar variation 1082628 (VCV001082628.12), dbSNP rs189135452, ClinGen allele CA7279306.